The following is an entry in ClinVar:

NM_006206.6(PDGFRA):c.2380G>A (p.Asp794Asn)

Gene: PDGFRA (platelet derived growth factor receptor alpha; plus strand). Cytogenetic location: 4q12.
Variant type: single nucleotide variant.
Coding change: c.2380G>A on transcript NM_006206.6 (MANE Select); coding-DNA position 2380, G replaced by A.
Protein change: p.Asp794Asn; replaces aspartic acid 794 with asparagine.
Molecular consequence: missense variant.
Genome position (GRCh38, 1-based): chr4:54,285,427, G>A. VCF-style: chr4-54285427-G-A. GRCh37 (hg19) VCF-style: chr4-55151594-G-A.
Other names: c.2455G>A, p.Asp819Asn (NM_001347828.2); c.2380G>A, p.Asp794Asn (NM_001347829.2); c.2419G>A, p.Asp807Asn (NM_001347830.2); short protein forms D794N, D807N, D819N.
Identifiers: ClinVar variation 568414 (VCV000568414.14), dbSNP rs1560488952, ClinGen allele CA356894697.

ClinVar aggregate classification (germline): Uncertain significance. Review status: criteria provided, multiple submitters, no conflicts (2 of 4 stars). 2 submissions from 2 submitters: Uncertain significance (2). Last evaluated 2024-10-20.

Conditions:
Gastrointestinal stromal tumor. Also called: Gastrointestinal stromal tumor, somatic; Gastrointestinal stroma tumor. Identifiers: Orphanet 44890, MedGen C0238198, MeSH D046152, MONDO:0011719, OMIM 606764, HP:0100723.
Hereditary cancer-predisposing syndrome. Also called: Hereditary neoplastic syndrome; Neoplastic Syndromes, Hereditary; Hereditary Cancer Syndrome; Tumor predisposition. Identifiers: Orphanet 140162, MedGen C0027672, MeSH D009386, MONDO:0015356.

Allele frequency attached by ClinVar (database versions not stated): gnomAD exomes below 0.00001.
gnomAD v4.1: 1 of 1,592,244 alleles (0.000063%); highest among the groups gnomAD compares: East Asian, 0.0022%; no homozygotes.

Submissions (2):

Ambry Genetics
Classification: Uncertain significance for Hereditary cancer-predisposing syndrome. Last evaluated: 2024-10-20. Review status: criteria provided, single submitter. Criteria: Ambry Variant Classification Scheme 2023. Collection method: clinical testing. Allele origin: germline.
Comment: The p.D794N variant (also known as c.2380G>A), located in coding exon 16 of the PDGFRA gene, results from a G to A substitution at nucleotide position 2380. The aspartic acid at codon 794 is replaced by asparagine, an amino acid with highly similar properties. This amino acid position is conserved. In addition, the in silico prediction for this alteration is inconclusive. Since supporting evidence is limited at this time, the clinical significance of this alteration remains unclear.

Labcorp Genetics (formerly Invitae), Labcorp
Classification: Uncertain significance for Gastrointestinal stromal tumor. Last evaluated: 2022-02-23. Review status: criteria provided, single submitter. Criteria: Invitae Variant Classification Sherloc (09022015). Collection method: clinical testing. Allele origin: germline.
Comment: ClinVar contains an entry for this variant (Variation ID: 568414). This variant has not been reported in the literature in individuals affected with PDGFRA-related conditions. This variant is not present in population databases (gnomAD no frequency). This sequence change replaces aspartic acid, which is acidic and polar, with asparagine, which is neutral and polar, at codon 794 of the PDGFRA protein (p.Asp794Asn). In summary, the available evidence is currently insufficient to determine the role of this variant in disease. Therefore, it has been classified as a Variant of Uncertain Significance. Algorithms developed to predict the effect of missense changes on protein structure and function are either unavailable or do not agree on the potential impact of this missense change (SIFT: "Deleterious"; PolyPhen-2: "Probably Damaging"; Align-GVGD: "Class C15").